The following is an entry in ClinVar:

NM_016239.4(MYO15A):c.5910+3A>G

Gene: MYO15A (myosin XVA; plus strand). Cytogenetic location: 17p11.2.
Variant type: single nucleotide variant.
Coding change: c.5910+3A>G on transcript NM_016239.4 (MANE Select); 3 bases into the intron after coding-DNA position 5910, A replaced by G.
Molecular consequence: intron variant.
Genome position (GRCh38, 1-based): chr17:18,142,843, A>G. VCF-style: chr17-18142843-A-G. GRCh37 (hg19) VCF-style: chr17-18046157-A-G.
Identifiers: ClinVar variation 1878740 (VCV001878740.1), dbSNP rs754982173, ClinGen allele CA625043592.
Genomic context (GRCh38, chr17:18,142,843, plus strand): 5'-TCTGGTGAAGTTCCGGTCCCTGGTACACGCATACGTGAGCCGCCGACGCTATCTCAAGGT[A>G]TAGGCCCTACCCTATCTGGGTCCAAGGGGACAGCAGAGAAGGGGAAAGGGCACTTAGCAC-3'

ClinVar aggregate classification (germline): Uncertain significance (1 of 4 stars; one submission).

gnomAD v4.1: 3 of 1,609,514 alleles (0.00019%); highest among the groups gnomAD compares: Non-Finnish European, 0.00025%; no homozygotes.

Submission:

GeneDx
Classification: Uncertain significance. Last evaluated: 2022-07-12. Review status: criteria provided, single submitter. Criteria: GeneDx Variant Classification Process June 2021. Collection method: clinical testing. Allele origin: germline. Affected: yes.
Comment: Not observed at significant frequency in large population cohorts (gnomAD); In silico analysis supports a deleterious effect on splicing; Has not been previously published as pathogenic or benign to our knowledge; This variant is associated with the following publications: (PMID: 24206587)